The following is an entry in ClinVar:

NM_001039348.3(EFEMP1):c.317G>T (p.Ser106Ile)

Gene: EFEMP1 (EGF-like fibulin extracellular matrix protein 1; minus strand). Cytogenetic location: 2p16.1.
Variant type: single nucleotide variant.
Coding change: c.317G>T on transcript NM_001039348.3 (MANE Select); coding-DNA position 317, G replaced by T.
Protein change: p.Ser106Ile; replaces serine 106 with isoleucine.
Molecular consequence: missense variant.
Genome position (GRCh38, 1-based): chr2:55,917,865, C>A on the plus strand (G>T on the coding strand, the complement: EFEMP1 is on the minus strand). VCF-style: chr2-55917865-C-A. GRCh37 (hg19) VCF-style: chr2-56145000-C-A.
Other names: c.317G>T, p.Ser106Ile (NM_001039349.3); short protein forms S106I.
Identifiers: ClinVar variation 4765245 (VCV004765245.1).
Genomic context (GRCh38, chr2:55,917,865, plus strand): 5'-GCGACTGCAGCAGCACTGGCCACAAAACCACCCCCGGGCAACACTCCACTGGTTGCCATG[C>A]TGCTGGCAGCTACAACCCCGGTGGTTGCCCCTGAGGTTCCTTCTGCTGGTTGTGTTTCCT-3'
Protein context (NP_001034437.1, residues 96-116): GATTGVVAAS[Ser106Ile]MATSGVLPGG

ClinVar aggregate classification (germline): Uncertain significance (1 of 4 stars; one submission).

gnomAD v4.1: 8 of 1,614,140 alleles (0.0005%); highest among the groups gnomAD compares: East Asian, 0.018%; no homozygotes.

Submission:

Labcorp Genetics (formerly Invitae), Labcorp
Classification: Uncertain significance. Last evaluated: 2025-12-05. Review status: criteria provided, single submitter. Criteria: Invitae Variant Classification Sherloc (09022015). Collection method: clinical testing. Allele origin: germline.
Comment: This sequence change replaces serine, which is neutral and polar, with isoleucine, which is neutral and non-polar, at codon 106 of the EFEMP1 protein (p.Ser106Ile). This variant is present in population databases (rs749910886, gnomAD 0.02%). This variant has not been reported in the literature in individuals affected with EFEMP1-related conditions. An algorithm developed to predict the effect of missense changes on protein structure and function (PolyPhen-2) suggests that this variant is likely to be tolerated. In summary, the available evidence is currently insufficient to determine the role of this variant in disease. Therefore, it has been classified as a Variant of Uncertain Significance.